The following is an entry in ClinVar:

ClinVar aggregate classification (germline): Uncertain significance (1 of 4 stars; one submission).

Submission:

GeneDx
Classification: Uncertain significance. Last evaluated: 2023-10-30. Review status: criteria provided, single submitter. Criteria: GeneDx Variant Classification Process June 2021. Collection method: clinical testing. Allele origin: germline. Affected: yes.
Comment: Not observed at significant frequency in large population cohorts (gnomAD); In silico analysis supports that this missense variant has a deleterious effect on protein structure/function; Has not been previously published as pathogenic or benign to our knowledge; This variant is associated with the following publications: (PMID: 25486365)

NM_001042492.3(NF1):c.8206G>C (p.Asp2736His)

Gene: NF1 (neurofibromin 1; plus strand). Cytogenetic location: 17q11.2.
Variant type: single nucleotide variant.
Coding change: c.8206G>C on transcript NM_001042492.3 (MANE Select); coding-DNA position 8206, G replaced by C.
Protein change: p.Asp2736His; replaces aspartic acid 2736 with histidine.
Molecular consequence: missense variant.
Genome position (GRCh38, 1-based): chr17:31,360,532, G>C. VCF-style: chr17-31360532-G-C. GRCh37 (hg19) VCF-style: chr17-29687550-G-C.
Other names: c.8143G>C, p.Asp2715His (NM_000267.4); short protein forms D2715H, D2736H.
Identifiers: ClinVar variation 3363691 (VCV003363691.1).
Genomic context (GRCh38, chr17:31,360,532, plus strand): 5'-TATTTTCCATTACAGCAAACACAAATTCCAGACTATGCTGAGCTTATTGTTAAGTTTCTT[G>C]ATGCCTTGATTGACACGTACCTGCCTGGAATTGATGAAGAAACCAGTGAAGAATCCCTCC-3'
Protein context (NP_001035957.1, residues 2726-2746): DYAELIVKFL[Asp2736His]ALIDTYLPGI